The following is an entry in ClinVar:

NM_004168.4(SDHA):c.284C>G (p.Pro95Arg)

Gene: SDHA (succinate dehydrogenase complex flavoprotein subunit A; plus strand). Cytogenetic location: 5p15.33.
Variant type: single nucleotide variant.
Coding change: c.284C>G on transcript NM_004168.4 (MANE Select); coding-DNA position 284, C replaced by G.
Protein change: p.Pro95Arg; replaces proline 95 with arginine.
Molecular consequence: missense variant.
Genome position (GRCh38, 1-based): chr5:224,493, C>G. VCF-style: chr5-224493-C-G. GRCh37 (hg19) VCF-style: chr5-224608-C-G.
Other names: c.284C>G, p.Pro95Arg (NM_001294332.2, NM_001330758.2); short protein forms P95R.
Identifiers: ClinVar variation 472381 (VCV000472381.14), dbSNP rs1553997377, ClinGen allele CA359008642.

ClinVar aggregate classification (germline): Likely pathogenic. Review status: criteria provided, multiple submitters, no conflicts (2 of 4 stars). 2 submissions from 2 submitters: Likely pathogenic (2). Last evaluated 2025-10-13.

Conditions:
Mitochondrial complex II deficiency, nuclear type 1. Also called: SUCCINATE CoQ REDUCTASE DEFICIENCY. Identifiers: Orphanet 3208, MedGen C5700310, MONDO:0100294, OMIM 252011.
Pheochromocytoma/paraganglioma syndrome 5. Also called: Paragangliomas 5; SDHA-Related Hereditary Paraganglioma-Pheochromocytoma Syndrome. Identifiers: Orphanet 29072, MedGen C3279992, MONDO:0013602, OMIM 614165.
Hereditary cancer-predisposing syndrome. Also called: Neoplastic Syndromes, Hereditary; Hereditary Cancer Syndrome; Hereditary neoplastic syndrome; Tumor predisposition. Identifiers: Orphanet 140162, MedGen C0027672, MeSH D009386, MONDO:0015356.

Submissions (2):

Labcorp Genetics (formerly Invitae), Labcorp
Classification: Likely pathogenic for Pheochromocytoma/paraganglioma syndrome 5; Mitochondrial complex II deficiency, nuclear type 1. Last evaluated: 2025-10-13. Review status: criteria provided, single submitter. Criteria: Invitae Variant Classification Sherloc (09022015). Collection method: clinical testing. Allele origin: germline.
Comment: This sequence change replaces proline, which is neutral and non-polar, with arginine, which is basic and polar, at codon 95 of the SDHA protein (p.Pro95Arg). This variant is not present in population databases (gnomAD no frequency). This missense change has been observed in individuals with gastrointestinal stromal tumor and/or paraganglioma (external communication, internal data). ClinVar contains an entry for this variant (Variation ID: 472381). Invitae Evidence Modeling of protein sequence and biophysical properties (such as structural, functional, and spatial information, amino acid conservation, physicochemical variation, residue mobility, and thermodynamic stability) has been performed for this missense variant. However, the output from this modeling did not meet the statistical confidence thresholds required to predict the impact of this variant on SDHA protein function. In summary, the currently available evidence indicates that the variant is pathogenic, but additional data are needed to prove that conclusively. Therefore, this variant has been classified as Likely Pathogenic.

Ambry Genetics
Classification: Likely pathogenic for Hereditary cancer-predisposing syndrome. Last evaluated: 2024-03-26. Review status: criteria provided, single submitter. Criteria: Ambry Variant Classification Scheme 2023. Collection method: clinical testing. Allele origin: germline.
Comment: The p.P95R variant (also known as c.284C>G), located in coding exon 3 of the SDHA gene, results from a C to G substitution at nucleotide position 284. The proline at codon 95 is replaced by arginine, an amino acid with dissimilar properties. The variant has been detected in multiple individuals with SDHA-associated tumors (Ambry internal data). This variant is considered to be rare based on population cohorts in the Genome Aggregation Database (gnomAD). This amino acid position is highly conserved in available vertebrate species. In addition, this alteration is predicted to be deleterious by in silico analysis. Based on the majority of available evidence to date, this variant is likely to be pathogenic.